The following is an entry in ClinVar:

NM_014855.3(AP5Z1):c.*901C>T

Genes: AP5Z1 (adaptor related protein complex 5 subunit zeta 1; plus strand), LOC129997864 (ATAC-STARR-seq lymphoblastoid silent region 17903; plus strand). Cytogenetic location: 7p22.1.
Variant type: single nucleotide variant.
Coding change: c.*901C>T on transcript NM_014855.3 (MANE Select); 901 bases downstream of the stop codon, C replaced by T.
Molecular consequence: 3 prime UTR variant. On other transcripts: non-coding transcript variant (1).
Genome position (GRCh38, 1-based): chr7:4,792,286, C>T. VCF-style: chr7-4792286-C-T. GRCh37 (hg19) VCF-style: chr7-4831917-C-T.
Other names: c.*901C>T (LRG_1247t1, NM_001364858.1).
Identifiers: ClinVar variation 360367 (VCV000360367.5), dbSNP rs112176131, ClinGen allele CA10629294.
Genomic context (GRCh38, chr7:4,792,286, plus strand): 5'-CCGGTGCCTGGGACGGGCTCAGCCGCCAGGGGGCGCCGCCGCCCCGAGAGCCTCACGCCC[C>T]GCCCCCAGGCTCAAACTCTTCCCCCTCCCCACTCTGGCTCCGCCCCCGGTCTCCTCTTTT-3'

ClinVar aggregate classification (germline): Likely benign (1 of 4 stars; one submission).

Conditions:
Hereditary spastic paraplegia 48. Also called: SPASTIC PARAPLEGIA 48, AUTOSOMAL RECESSIVE; Spastic paraplegia 48. Identifiers: Orphanet 306511, MedGen C3150901, MONDO:0013342, OMIM 613647.

Allele frequency attached by ClinVar (database versions not stated): gnomAD 0.01366 and 0.01465; TOPMed 0.01492; 1000 Genomes Project 0.01637; 1000 Genomes Project 30x 0.01718.

Submission:

Illumina Laboratory Services, Illumina
Classification: Likely benign for Hereditary spastic paraplegia 48. Last evaluated: 2017-04-27. Review status: criteria provided, single submitter. Criteria: ICSL Variant Classification Criteria 13 December 2019. Collection method: clinical testing. Allele origin: germline.
Comment: This variant was observed as part of a predisposition screen in an ostensibly healthy population. A literature search was performed for the gene, cDNA change, and amino acid change (where applicable). No publications were found based on this search. Allele frequency data from public databases allowed determination this variant is unlikely to cause disease. Therefore, this variant is classified as likely benign.